The following is an entry in ClinVar:

NM_003742.4(ABCB11):c.1027T>C (p.Tyr343His)

Gene: ABCB11 (ATP binding cassette subfamily B member 11; minus strand). Cytogenetic location: 2q31.1.
Variant type: single nucleotide variant.
Coding change: c.1027T>C on transcript NM_003742.4 (MANE Select); coding-DNA position 1027, T replaced by C.
Protein change: p.Tyr343His; replaces tyrosine 343 with histidine.
Molecular consequence: missense variant.
Genome position (GRCh38, 1-based): chr2:168,986,166, A>G on the plus strand (T>C on the coding strand, the complement: ABCB11 is on the minus strand). VCF-style: chr2-168986166-A-G. GRCh37 (hg19) VCF-style: chr2-169842676-A-G.
Other names: short protein forms Y343H.
Identifiers: ClinVar variation 4846229 (VCV004846229.1).
Genomic context (GRCh38, chr2:168,986,166, plus strand): 5'-GTACCTGGACAAGGGTTCCTGGTGTATATTCTCCTTCATCCAGGACAAGTGTGGAGCCGT[A>G]CCAGAAGGCCAGTGCATAACACAAAAAGATGAGACACCACACGAATCCAGTAAAGAATCC-3'
Protein context (NP_003733.2, residues 333-353): IFLCYALAFW[Tyr343His]GSTLVLDEGE

ClinVar aggregate classification (germline): Uncertain significance (1 of 4 stars; one submission).

Conditions:
Familial intrahepatic cholestasis. Identifiers: Orphanet 284385, MedGen CN296401, MONDO:0017290.

gnomAD v4.1: 1 of 1,613,196 alleles (0.000062%); highest among the groups gnomAD compares: Non-Finnish European, 0.000085%; no homozygotes.

Submission:

Genomenon, Inc
Classification: Uncertain significance for Familial intrahepatic cholestasis. Last evaluated: 2026-04-14. Review status: criteria provided, single submitter. Criteria: Genomenon Sequence Variant Interpretation Standards - Updated. Collection method: curation. Allele origin: germline. Affected: no.
Comment: ABCB11 p.Tyr343His (c.1027T>C) is a missense variant that changes the amino acid at residue 343 from Tyrosine to Histidine. This variant has been reported in the published literature (PMID:12404240;17141228). It is absent or not present at a significant frequency in gnomAD. In silico models predict that this variant is possibly or probably damaging. In conclusion, we classify ABCB11 p.Tyr343His (c.1027T>C) as a variant of uncertain significance.

Literature cited by the submitters: PubMed 12404240; PubMed 17141228.